The following is an entry in ClinVar:

ClinVar aggregate classification (germline): Uncertain significance. Review status: criteria provided, multiple submitters, no conflicts (2 of 4 stars). 2 submissions from 2 submitters: Uncertain significance (2). Last evaluated 2025-05-06.

Conditions:
Congenital disorder of glycosylation, type IIq. Also called: CDG IIq. Identifiers: Orphanet 435934, MedGen C4479353, MONDO:0054559, OMIM 617395.

gnomAD v4.1: 13 of 1,612,950 alleles (0.00081%); highest among the groups gnomAD compares: East Asian, 0.02%; no homozygotes.

Submissions (2):

Ambry Genetics
Classification: Uncertain significance. Last evaluated: 2025-05-06. Review status: criteria provided, single submitter. Criteria: Ambry Variant Classification Scheme 2023. Collection method: clinical testing. Allele origin: germline.

Labcorp Genetics (formerly Invitae), Labcorp
Classification: Uncertain significance for Congenital disorder of glycosylation, type IIq. Last evaluated: 2024-10-13. Review status: criteria provided, single submitter. Criteria: Invitae Variant Classification Sherloc (09022015). Collection method: clinical testing. Allele origin: germline.
Comment: This sequence change replaces lysine, which is basic and polar, with arginine, which is basic and polar, at codon 327 of the COG2 protein (p.Lys327Arg). This variant is present in population databases (no rsID available, gnomAD 0.02%). This variant has not been reported in the literature in individuals affected with COG2-related conditions. Invitae Evidence Modeling of protein sequence and biophysical properties (such as structural, functional, and spatial information, amino acid conservation, physicochemical variation, residue mobility, and thermodynamic stability) indicates that this missense variant is not expected to disrupt COG2 protein function with a negative predictive value of 80%. In summary, the available evidence is currently insufficient to determine the role of this variant in disease. Therefore, it has been classified as a Variant of Uncertain Significance.

NM_007357.3(COG2):c.980A>G (p.Lys327Arg)

Gene: COG2 (component of oligomeric golgi complex 2; plus strand). Cytogenetic location: 1q42.2.
Variant type: single nucleotide variant.
Coding change: c.980A>G on transcript NM_007357.3 (MANE Select); coding-DNA position 980, A replaced by G.
Protein change: p.Lys327Arg; replaces lysine 327 with arginine.
Molecular consequence: missense variant.
Genome position (GRCh38, 1-based): chr1:230,675,078, A>G. VCF-style: chr1-230675078-A-G. GRCh37 (hg19) VCF-style: chr1-230810824-A-G.
Other names: c.980A>G (NM_007357.2); c.980A>G, p.Lys327Arg (NM_001145036.2); short protein forms K327R.
Identifiers: ClinVar variation 3716942 (VCV003716942.3).
Genomic context (GRCh38, chr1:230,675,078, plus strand): 5'-CTGGATATGACTTTTTGGTGAATTCTGTTTGGCCACAAATAGTACAAGGATTAGAAGAAA[A>G]GTTACCCTCGCTTTTTAATCCTGGGAATCCCGATGCATTTCATGAGGTATCTCCCCGCCC-3'
Protein context (NP_031383.1, residues 317-337): WPQIVQGLEE[Lys327Arg]LPSLFNPGNP